The following is an entry in ClinVar:

NM_014795.4(ZEB2):c.1143G>T (p.Met381Ile)

Gene: ZEB2 (zinc finger E-box binding homeobox 2; minus strand). Cytogenetic location: 2q22.3.
Variant type: single nucleotide variant.
Coding change: c.1143G>T on transcript NM_014795.4 (MANE Select); coding-DNA position 1143, G replaced by T.
Protein change: p.Met381Ile; replaces methionine 381 with isoleucine.
Molecular consequence: missense variant.
Genome position (GRCh38, 1-based): chr2:144,400,044, C>A on the plus strand (G>T on the coding strand, the complement: ZEB2 is on the minus strand). VCF-style: chr2-144400044-C-A. GRCh37 (hg19) VCF-style: chr2-145157611-C-A.
Other names: c.1071G>T, p.Met357Ile (NM_001171653.2); short protein forms M357I, M381I.
Identifiers: ClinVar variation 2765903 (VCV002765903.16), dbSNP rs2549107051, ClinGen allele CA348712506.

ClinVar aggregate classification (germline): Conflicting classifications of pathogenicity. Review status: criteria provided, conflicting classifications (1 of 4 stars). 2 submissions from 2 submitters: Uncertain significance (1); Likely benign (1). Last evaluated 2025-02-01.

Conditions:
Mowat-Wilson syndrome (MOWS). Also called: Classic Mowat-Wilson Syndrome. Identifiers: Orphanet 2152, MedGen C1856113, MONDO:0009341, OMIM 235730.

Allele frequency attached by ClinVar (database versions not stated): gnomAD exomes below 0.00001.
gnomAD v4.1: 2 of 1,614,034 alleles (0.00012%); highest among the groups gnomAD compares: Non-Finnish European, 0.00017%; no homozygotes.

Submissions (2):

CeGaT Center for Human Genetics Tuebingen
Classification: Likely benign. Last evaluated: 2025-02-01. Review status: criteria provided, single submitter. Criteria: CeGaT Center For Human Genetics Tuebingen Variant Classification Criteria Version 2. Collection method: clinical testing. Allele origin: germline. Affected: yes. Observed: 1 variant allele.
Comment: ZEB2: BP4, BP5

Labcorp Genetics (formerly Invitae), Labcorp
Classification: Uncertain significance for Mowat-Wilson syndrome. Last evaluated: 2023-10-05. Review status: criteria provided, single submitter. Criteria: Invitae Variant Classification Sherloc (09022015). Collection method: clinical testing. Allele origin: germline.
Comment: This sequence change replaces methionine, which is neutral and non-polar, with isoleucine, which is neutral and non-polar, at codon 381 of the ZEB2 protein (p.Met381Ile). This variant is not present in population databases (gnomAD no frequency). This variant has not been reported in the literature in individuals affected with ZEB2-related conditions. An algorithm developed to predict the effect of missense changes on protein structure and function (PolyPhen-2) suggests that this variant is likely to be tolerated. In summary, the available evidence is currently insufficient to determine the role of this variant in disease. Therefore, it has been classified as a Variant of Uncertain Significance.